The following is an entry in ClinVar:

ClinVar aggregate classification (germline): Pathogenic (1 of 4 stars; one submission).

Conditions:
Duchenne muscular dystrophy (DMD). Also called: MUSCULAR DYSTROPHY, PSEUDOHYPERTROPHIC PROGRESSIVE, DUCHENNE TYPE; Duchenne Muscular Dystrophy (DMD). Identifiers: Orphanet 98896, MedGen C0013264, MONDO:0010679, OMIM 310200.

Submission:

Labcorp Genetics (formerly Invitae), Labcorp
Classification: Pathogenic for Duchenne muscular dystrophy. Last evaluated: 2024-01-25. Review status: criteria provided, single submitter. Criteria: Invitae Variant Classification Sherloc (09022015). Collection method: clinical testing. Allele origin: germline.
Comment: This variant is a gross deletion of the genomic region encompassing exon(s) 45-50 of the DMD gene. This deletion is out-of-frame, and is expected to create a premature termination codon and result in an absent or disrupted protein product. Loss-of-function variants in DMD are known to be pathogenic (PMID: 16770791, 25007885). A similar copy number variant has been observed in individuals with Duchenne or Becker muscular dystrophy (PMID: 9800909, 15723292, 18752307, 19449031, 22090376, 22510846, 25244321). For these reasons, this variant has been classified as Pathogenic.

Literature cited by the submitters: PubMed 16770791; PubMed 25007885; PubMed 9800909; PubMed 15723292; PubMed 18752307; PubMed 19449031; PubMed 22090376; PubMed 22510846; PubMed 25244321.

NC_000023.10:g.(?_31838072)_(31986651_?)del

Gene: DMD (dystrophin; minus strand). Cytogenetic location: Xp21.1.
Variant type: Deletion.
Identifiers: ClinVar variation 455816 (VCV000455816.9).